The following is an entry in ClinVar:

NM_001127208.3(TET2):c.3823G>T (p.Gly1275Trp)

Genes: TET2 (tet methylcytosine dioxygenase 2; plus strand), TET2-AS1 (TET2 antisense RNA 1; minus strand). Cytogenetic location: 4q24.
Variant type: single nucleotide variant.
Coding change: c.3823G>T on transcript NM_001127208.3 (MANE Select); coding-DNA position 3823, G replaced by T.
Protein change: p.Gly1275Trp; replaces glycine 1275 with tryptophan.
Molecular consequence: missense variant.
Genome position (GRCh38, 1-based): chr4:105,259,638, G>T. VCF-style: chr4-105259638-G-T. GRCh37 (hg19) VCF-style: chr4-106180795-G-T.
Other names: short protein forms G1275W.
Identifiers: ClinVar variation 2857714 (VCV002857714.3), dbSNP rs1253504701, ClinGen allele CA357806907.

ClinVar aggregate classification (germline): Uncertain significance (1 of 4 stars; one submission).

Submission:

Labcorp Genetics (formerly Invitae), Labcorp
Classification: Uncertain significance. Last evaluated: 2023-04-20. Review status: criteria provided, single submitter. Criteria: Invitae Variant Classification Sherloc (09022015). Collection method: clinical testing. Allele origin: germline.
Comment: In summary, the available evidence is currently insufficient to determine the role of this variant in disease. Therefore, it has been classified as a Variant of Uncertain Significance. An algorithm developed to predict the effect of missense changes on protein structure and function (PolyPhen-2) suggests that this variant is likely to be disruptive. This variant has not been reported in the literature in individuals affected with TET2-related conditions. This variant is not present in population databases (gnomAD no frequency). This sequence change replaces glycine, which is neutral and non-polar, with tryptophan, which is neutral and slightly polar, at codon 1275 of the TET2 protein (p.Gly1275Trp).